The following is an entry in ClinVar:

NM_000138.5(FBN1):c.4173C>G (p.Cys1391Trp)

Gene: FBN1 (fibrillin 1; minus strand). Cytogenetic location: 15q21.1.
Variant type: single nucleotide variant.
Coding change: c.4173C>G on transcript NM_000138.5 (MANE Select); coding-DNA position 4173, C replaced by G.
Protein change: p.Cys1391Trp; replaces cysteine 1391 with tryptophan.
Molecular consequence: missense variant.
Genome position (GRCh38, 1-based): chr15:48,474,292, G>C on the plus strand (C>G on the coding strand, the complement: FBN1 is on the minus strand). VCF-style: chr15-48474292-G-C. GRCh37 (hg19) VCF-style: chr15-48766489-G-C.
Other names: c.4173C>G, p.Cys1391Trp (NM_001406716.1); short protein forms C1391W.
Identifiers: ClinVar variation 4255466 (VCV004255466.1).
Genomic context (GRCh38, chr15:48,474,292, plus strand): 5'-AGTTGTTTCCAGCGTGAACATACCTGTACAAGTGAAGCCATCACCTGTGTATCCTTCCTT[G>C]CACAGACAGCGGTAAGATCCCATGGTATTCTTGCAGTCTGCATGCTGGCTGCACATATGG-3'
Protein context (NP_000129.3, residues 1381-1401): KNTMGSYRCL[Cys1391Trp]KEGYTGDGFT

ClinVar aggregate classification (germline): Likely pathogenic (1 of 4 stars; one submission).

Conditions:
Familial thoracic aortic aneurysm and aortic dissection (TAAD). Also called: Thoracic aortic aneurysms and dissections. Identifiers: Orphanet 91387, MedGen C4707243, MONDO:0019625.

Submission:

Ambry Genetics
Classification: Likely pathogenic for Familial thoracic aortic aneurysm and aortic dissection. Last evaluated: 2025-09-05. Review status: criteria provided, single submitter. Criteria: Ambry Variant Classification Scheme 2023. Collection method: clinical testing. Allele origin: germline.
Comment: The p.C1391W variant (also known as c.4173C>G), located in coding exon 33 of the FBN1 gene, results from a C to G substitution at nucleotide position 4173. The cysteine at codon 1391 is replaced by tryptophan, an amino acid with highly dissimilar properties. The majority of FBN1 mutations identified to date have involved the substitution or generation of cysteine residues within cbEGF domains (Vollbrandt T et al. J Biol Chem. 2004;279(31):32924-32931). Internal structural analysis indicates this alteration eliminates a disulfide bond critical for the structural integrity of the cbEGF19 domain (Ambry internal data). This variant was reported in individual(s) with features consistent with Marfan syndrome (Ambry internal data). This variant is considered to be rare based on population cohorts in the Genome Aggregation Database (gnomAD). This amino acid position is highly conserved in available vertebrate species. In addition, this alteration is predicted to be deleterious by in silico analysis. Based on the majority of available evidence to date, this variant is likely to be pathogenic.